The following is an entry in ClinVar:

ClinVar aggregate classification (germline): Uncertain significance. Review status: criteria provided, multiple submitters, no conflicts (2 of 4 stars). 2 submissions from 2 submitters: Uncertain significance (2). Last evaluated 2022-07-19.

Conditions:
Alstrom syndrome (ALMS). Identifiers: Orphanet 64, MedGen C0268425, MONDO:0008763, OMIM 203800.

Allele frequency attached by ClinVar (database versions not stated): gnomAD exomes below 0.00001; TOPMed below 0.00001; gnomAD 0.00001.
gnomAD v4.1: 4 of 1,613,788 alleles (0.00025%); highest among the groups gnomAD compares: African/African-American, 0.0013%; no homozygotes.

Submissions (2):

Labcorp Genetics (formerly Invitae), Labcorp
Classification: Uncertain significance for Alstrom syndrome. Last evaluated: 2022-07-19. Review status: criteria provided, single submitter. Criteria: Invitae Variant Classification Sherloc (09022015). Collection method: clinical testing. Allele origin: germline.
Comment: This sequence change replaces proline with leucine at codon 3183 of the ALMS1 protein (p.Pro3183Leu). The proline residue is weakly conserved and there is a moderate physicochemical difference between proline and leucine. This variant is present in population databases (no rsID available, gnomAD 0.0009%). This variant has not been reported in the literature in individuals affected with ALMS1-related conditions. ClinVar contains an entry for this variant (Variation ID: 1339706). Experimental studies and prediction algorithms are not available or were not evaluated, and the functional significance of this variant is currently unknown. In summary, the available evidence is currently insufficient to determine the role of this variant in disease. Therefore, it has been classified as a Variant of Uncertain Significance.

Women's Health and Genetics/Laboratory Corporation of America, LabCorp
Classification: Uncertain significance. Last evaluated: 2022-01-15. Review status: criteria provided, single submitter. Criteria: LabCorp Variant Classification Summary - May 2015. Collection method: clinical testing. Allele origin: germline.

NM_001378454.1(ALMS1):c.9545C>T (p.Pro3182Leu)

Gene: ALMS1 (ALMS1 centrosome and basal body associated protein; plus strand). Cytogenetic location: 2p13.1.
Variant type: single nucleotide variant.
Coding change: c.9545C>T on transcript NM_001378454.1 (MANE Select); coding-DNA position 9545, C replaced by T.
Protein change: p.Pro3182Leu; replaces proline 3182 with leucine.
Molecular consequence: missense variant.
Genome position (GRCh38, 1-based): chr2:73,519,780, C>T. VCF-style: chr2-73519780-C-T. GRCh37 (hg19) VCF-style: chr2-73746907-C-T.
Other names: c.9548C>T, p.Pro3183Leu (NM_015120.4); short protein forms P3182L, P3183L.
Identifiers: ClinVar variation 1339706 (VCV001339706.5), dbSNP rs1475730829, ClinGen allele CA347280707.
Genomic context (GRCh38, chr2:73,519,780, plus strand): 5'-CAGTCTCTAATGGCCAAGGATATAATCTGCTGTATTCTTTCTCTTTTTTGGTCAGATTAC[C>T]AGAGAAGATGAAGACCCCACTTTCTGCTTTCTCTGAAAAATTGTCATCTGATGCAGTCAC-3'
Protein context (NP_001365383.1, residues 3172-3192): EGTPVFADRL[Pro3182Leu]EKMKTPLSAF